The following is an entry in ClinVar:

ClinVar aggregate classification (germline): Uncertain significance. Review status: criteria provided, multiple submitters, no conflicts (2 of 4 stars). 2 submissions from 2 submitters: Uncertain significance (2). Last evaluated 2023-03-10.

Conditions:
Idiopathic generalized epilepsy. Also called: EIG; Generalised epilepsy. Identifiers: MedGen C0270850, MONDO:0005579, OMIM 600669.
Epilepsy, idiopathic generalized, susceptibility to, 10. Identifiers: MedGen C2751603, MONDO:0013103, OMIM 613060.

Allele frequency attached by ClinVar (database versions not stated): gnomAD 0.00001; gnomAD exomes 0.00001; TOPMed 0.00003.
gnomAD v4.1: 14 of 1,574,768 alleles (0.00089%); highest among the groups gnomAD compares: East Asian, 0.0023%; no homozygotes.

Submissions (2):

Labcorp Genetics (formerly Invitae), Labcorp
Classification: Uncertain significance for Idiopathic generalized epilepsy. Last evaluated: 2023-03-10. Review status: criteria provided, single submitter. Criteria: Invitae Variant Classification Sherloc (09022015). Collection method: clinical testing. Allele origin: germline.
Comment: ClinVar contains an entry for this variant (Variation ID: 1031663). An algorithm developed to predict the effect of missense changes on protein structure and function (PolyPhen-2) suggests that this variant is likely to be disruptive. In summary, the available evidence is currently insufficient to determine the role of this variant in disease. Therefore, it has been classified as a Variant of Uncertain Significance. This variant has not been reported in the literature in individuals affected with GABRD-related conditions. This sequence change replaces arginine, which is basic and polar, with histidine, which is basic and polar, at codon 416 of the GABRD protein (p.Arg416His). The frequency data for this variant in the population databases is considered unreliable, as metrics indicate poor data quality at this position in the gnomAD database.

Baylor Genetics
Classification: Uncertain significance for Epilepsy, idiopathic generalized, susceptibility to, 10. Last evaluated: 2018-04-27. Review status: criteria provided, single submitter. Criteria: ACMG Guidelines, 2015. Collection method: clinical testing. Allele origin: maternal. Affected: yes.
Comment: This variant was determined to be of uncertain significance according to ACMG Guidelines, 2015 [PMID:25741868].

NM_000815.5(GABRD):c.1247G>A (p.Arg416His)

Gene: GABRD (gamma-aminobutyric acid type A receptor subunit delta; plus strand). Cytogenetic location: 1p36.33.
Variant type: single nucleotide variant.
Coding change: c.1247G>A on transcript NM_000815.5 (MANE Select); coding-DNA position 1247, G replaced by A.
Protein change: p.Arg416His; replaces arginine 416 with histidine.
Molecular consequence: missense variant.
Genome position (GRCh38, 1-based): chr1:2,030,170, G>A. VCF-style: chr1-2030170-G-A. GRCh37 (hg19) VCF-style: chr1-1961609-G-A.
Other names: short protein forms R416H.
Identifiers: ClinVar variation 1031663 (VCV001031663.4), dbSNP rs1011029441, ClinGen allele CA16891968.